The following is an entry in ClinVar:

NM_032638.5(GATA2):c.302G>C (p.Gly101Ala)

Gene: GATA2 (GATA binding protein 2; minus strand). Cytogenetic location: 3q21.3.
Variant type: single nucleotide variant.
Coding change: c.302G>C on transcript NM_032638.5 (MANE Select); coding-DNA position 302, G replaced by C.
Protein change: p.Gly101Ala; replaces glycine 101 with alanine.
Molecular consequence: missense variant.
Genome position (GRCh38, 1-based): chr3:128,486,296, C>G on the plus strand (G>C on the coding strand, the complement: GATA2 is on the minus strand). VCF-style: chr3-128486296-C-G. GRCh37 (hg19) VCF-style: chr3-128205139-C-G.
Other names: c.302G>C, p.Gly101Ala (NM_001145661.2, NM_001145662.1); short protein forms G101A.
Identifiers: ClinVar variation 1042027 (VCV001042027.8), dbSNP rs1553771053, ClinGen allele CA354407463.

ClinVar aggregate classification (germline): Uncertain significance (1 of 4 stars; one submission).

Conditions:
Deafness-lymphedema-leukemia syndrome. Also called: Emberger syndrome; Lymphedema, primary, with myelodysplasia. Identifiers: Orphanet 3226, MedGen C3279664, MONDO:0013540, OMIM 614038.
Monocytopenia with susceptibility to infections. Also called: IMMUNODEFICIENCY 21; GATA2 DEFICIENCY; MONOCYTOPENIA AND MYCOBACTERIAL INFECTION SYNDROME; MONOCYTOPENIA WITH SUSCEPTIBILITY TO MYCOBACTERIAL, FUNGAL, AND PAPILLOMAVIRUS INFECTIONS AND MYELODYSPLASIA; COMBINED IMMUNODEFICIENCY WITH SUSCEPTIBILITY TO MYCOBACTERIAL, VIRAL, AND FUNGAL INFECTIONS; Dendritic cell, monocyte, B lymphocyte, and natural killer lymphocyte deficiency. Identifiers: Orphanet 228423, MedGen C3280030, MONDO:0013607, OMIM 614172.

Submission:

Labcorp Genetics (formerly Invitae), Labcorp
Classification: Uncertain significance for Monocytopenia with susceptibility to infections; Deafness-lymphedema-leukemia syndrome. Last evaluated: 2022-07-19. Review status: criteria provided, single submitter. Criteria: Invitae Variant Classification Sherloc (09022015). Collection method: clinical testing. Allele origin: germline.
Comment: In summary, the available evidence is currently insufficient to determine the role of this variant in disease. Therefore, it has been classified as a Variant of Uncertain Significance. Advanced modeling of protein sequence and biophysical properties (such as structural, functional, and spatial information, amino acid conservation, physicochemical variation, residue mobility, and thermodynamic stability) performed at Invitae indicates that this missense variant is not expected to disrupt GATA2 protein function. ClinVar contains an entry for this variant (Variation ID: 1042027). This variant has not been reported in the literature in individuals affected with GATA2-related conditions. This variant is not present in population databases (gnomAD no frequency). This sequence change replaces glycine, which is neutral and non-polar, with alanine, which is neutral and non-polar, at codon 101 of the GATA2 protein (p.Gly101Ala).